The following is an entry in ClinVar:

ClinVar aggregate classification (germline): Conflicting classifications of pathogenicity. Review status: criteria provided, conflicting classifications (1 of 4 stars). 2 submissions from 2 submitters: Pathogenic (1); Uncertain significance (1). Last evaluated 2024-07-20.

Conditions:
Galactosylceramide beta-galactosidase deficiency. Also called: GALACTOCEREBROSIDASE DEFICIENCY; GALC DEFICIENCY; GLOBOID CELL LEUKOENCEPHALOPATHY; Krabbe Disease; Leukodystrophy, Globoid Cell. Identifiers: Orphanet 487, MedGen C0023521, MONDO:0009499, OMIM 245200.

Submissions (2):

Labcorp Genetics (formerly Invitae), Labcorp
Classification: Pathogenic for Galactosylceramide beta-galactosidase deficiency. Last evaluated: 2024-07-20. Review status: criteria provided, single submitter. Criteria: Invitae Variant Classification Sherloc (09022015). Collection method: clinical testing. Allele origin: germline.
Comment: This sequence change results in a frameshift in the GALC gene (p.His669Profs*19). While this is not anticipated to result in nonsense mediated decay, it is expected to disrupt the last 17 amino acid(s) of the GALC protein and extend the protein by 1 additional amino acid residues. This variant is present in population databases (rs780754563, gnomAD 0.02%). This variant has not been reported in the literature in individuals affected with GALC-related conditions. This variant disrupts a region of the GALC protein in which other variant(s) (p.Val681Met) have been determined to be pathogenic (PMID: 23462331, 31885218). This suggests that this is a clinically significant region of the protein, and that variants that disrupt it are likely to be disease-causing. For these reasons, this variant has been classified as Pathogenic.

Blueprint Genetics
Classification: Uncertain significance. Last evaluated: 2024-06-05. Review status: criteria provided, single submitter. Criteria: ACMG Guidelines, 2015. Collection method: clinical testing. Allele origin: germline.

Literature cited by the submitters: PubMed 23462331 (cited by Labcorp Genetics (formerly Invitae), Labcorp); PubMed 31885218 (cited by Labcorp Genetics (formerly Invitae), Labcorp).

NM_000153.4(GALC):c.2006_2009del (p.His669fs)

Gene: GALC (galactosylceramidase; minus strand). Cytogenetic location: 14q31.3.
Variant type: Microsatellite.
Coding change: c.2006_2009del on transcript NM_000153.4 (MANE Select); coding-DNA positions 2006 to 2009, 4 bases deleted (ACTC; older notation c.2006_2009delACTC).
Protein change: p.His669fs; shifts the reading frame from histidine 669.
Molecular consequence: frameshift variant.
Genome position (GRCh38, 1-based): chr14:87,934,781-87,934,784, GAGT deleted on the plus strand (ACTC on the coding strand, the reverse complement: GALC is on the minus strand); deleting any 4 consecutive bases within chr14:87,934,781-87,934,788 gives the same sequence; the c. name uses the placement nearest the transcript's 3' end. VCF-style (leftmost placement, unchanged base first): chr14-87934780-GGAGT-G. GRCh37 (hg19) VCF-style: chr14-88401124-GGAGT-G.
Other names: c.1937_1940del, p.His646fs (NM_001201401.2); c.1928_1931del, p.His643fs (NM_001201402.2); short protein forms H669fs, H646fs, H643fs.
Identifiers: ClinVar variation 2148515 (VCV002148515.5), dbSNP rs780754563, ClinGen allele CA7296833.